The following is an entry in ClinVar:

ClinVar aggregate classification (germline): Likely pathogenic (1 of 4 stars; one submission).

Conditions:
GATA1-related disorder. Also called: GATA1-related condition.

Submission:

PreventionGenetics, part of Exact Sciences
Classification: Likely pathogenic for GATA1-related condition. Last evaluated: 2024-10-23. Review status: criteria provided, single submitter. Criteria: ACMG Guidelines, 2015. Collection method: clinical testing. Allele origin: germline.
Comment: The GATA1 c.151_173del23 variant is predicted to result in a frameshift and premature protein termination (p.Ser51Glyfs*9). To our knowledge, this variant has not been reported in the literature or in a large population database (gnomAD), indicating this variant is rare. Frameshift variants in GATA1 are expected to be pathogenic. This variant is interpreted as likely pathogenic.

NM_002049.4(GATA1):c.151_173del (p.Ser51fs)

Gene: GATA1 (GATA binding protein 1; plus strand). Cytogenetic location: Xp11.23.
Variant type: Deletion.
Coding change: c.151_173del on transcript NM_002049.4 (MANE Select); coding-DNA positions 151 to 173, 23 bases deleted (AGCACAGCCACCGCTGCAGCTGC).
Protein change: p.Ser51fs; shifts the reading frame from serine 51.
Molecular consequence: frameshift variant.
Genome position (GRCh38, 1-based): chrX:48,791,260-48,791,282, AGCACAGCCACCGCTGCAGCTGC deleted. VCF-style (leftmost placement, unchanged base first): chrX-48791259-GAGCACAGCCACCGCTGCAGCTGC-G. GRCh37 (hg19) VCF-style: chrX-48649666-GAGCACAGCCACCGCTGCAGCTGC-G.
Other names: short protein forms S51fs.
Identifiers: ClinVar variation 4999922 (VCV004999922.1).